The following is an entry in ClinVar:

ClinVar aggregate classification (germline): Uncertain significance. Review status: criteria provided, single submitter (1 of 4 stars). 2 submissions from 2 submitters: Uncertain significance (1). 1 of the submissions does not count toward it. Last evaluated 2023-06-06.

Conditions:
SEMA3D-related disorder. Also called: SEMA3D-related condition.

Allele frequency attached by ClinVar (database versions not stated): gnomAD 0.00001; gnomAD exomes 0.00001; TOPMed 0.00001; ExAC 0.00006.
gnomAD v4.1: 18 of 1,593,618 alleles (0.0011%); highest among the groups gnomAD compares: Non-Finnish European, 0.0015%; no homozygotes.

Submissions (2):

Ambry Genetics
Classification: Uncertain significance. Last evaluated: 2023-06-06. Review status: criteria provided, single submitter. Criteria: Ambry Variant Classification Scheme 2023. Collection method: clinical testing. Allele origin: germline.

PreventionGenetics, part of Exact Sciences
Classification: Uncertain significance for SEMA3D-related condition. Last evaluated: 2024-05-30. Review status: no assertion criteria provided. Collection method: clinical testing. Allele origin: germline. Not counted in ClinVar's aggregate classification.
Comment: The SEMA3D c.1517T>C variant is predicted to result in the amino acid substitution p.Ile506Thr. To our knowledge, this variant has not been reported in the literature. This variant is reported in 0.0071% of alleles in individuals of European (Non-Finnish) descent in gnomAD. At this time, the clinical significance of this variant is uncertain due to the absence of conclusive functional and genetic evidence.

NM_001384900.1(SEMA3D):c.1517T>C (p.Ile506Thr)

Gene: SEMA3D (semaphorin 3D; minus strand). Cytogenetic location: 7q21.11.
Variant type: single nucleotide variant.
Coding change: c.1517T>C on transcript NM_001384900.1 (MANE Select); coding-DNA position 1517, T replaced by C.
Protein change: p.Ile506Thr; replaces isoleucine 506 with threonine.
Molecular consequence: missense variant.
Genome position (GRCh38, 1-based): chr7:85,018,280, A>G on the plus strand (T>C on the coding strand, the complement: SEMA3D is on the minus strand). VCF-style: chr7-85018280-A-G. GRCh37 (hg19) VCF-style: chr7-84647596-A-G.
Other names: c.1517T>C, p.Ile506Thr (NM_001384901.1, NM_001384902.1, NM_001384903.1 and 1 more transcripts); short protein forms I506T.
Identifiers: ClinVar variation 2558279 (VCV002558279.3), dbSNP rs754423154, ClinGen allele CA4323398.